The following is an entry in ClinVar:

NM_003754.3(EIF3F):c.916C>T (p.Arg306Cys)

Genes: EIF3F (eukaryotic translation initiation factor 3 subunit F; plus strand), LOC126861132 (CDK7 strongly-dependent group 2 enhancer GRCh37_chr11:8016231-8017430; plus strand). Cytogenetic location: 11p15.4.
Variant type: single nucleotide variant.
Coding change: c.916C>T on transcript NM_003754.3 (MANE Select); coding-DNA position 916, C replaced by T.
Protein change: p.Arg306Cys; replaces arginine 306 with cysteine.
Molecular consequence: missense variant.
Genome position (GRCh38, 1-based): chr11:7,995,287, C>T. VCF-style: chr11-7995287-C-T. GRCh37 (hg19) VCF-style: chr11-8016834-C-T.
Other names: c.916C>T (NM_003754.2); short protein forms R306C.
Identifiers: ClinVar variation 1710038 (VCV001710038.3), dbSNP rs2495448445, ClinGen allele CA379578035.

ClinVar aggregate classification (germline): Uncertain significance. Review status: criteria provided, multiple submitters, no conflicts (2 of 4 stars). 2 submissions from 2 submitters: Uncertain significance (2). Last evaluated 2023-10-25.

Conditions:
Intellectual developmental disorder, autosomal recessive 67. Also called: MENTAL RETARDATION, AUTOSOMAL RECESSIVE 67. Identifiers: MedGen C4749019, MONDO:0032662, OMIM 618295.

Allele frequency attached by ClinVar (database versions not stated): gnomAD exomes 0.00001.
gnomAD v4.1: 11 of 1,614,080 alleles (0.00068%); highest among the groups gnomAD compares: South Asian, 0.0011%; no homozygotes.

Submissions (2):

GeneDx
Classification: Uncertain significance. Last evaluated: 2023-10-25. Review status: criteria provided, single submitter. Criteria: GeneDx Variant Classification Process June 2021. Collection method: clinical testing. Allele origin: germline. Affected: yes.
Comment: Not observed at significant frequency in large population cohorts (gnomAD); In silico analysis supports that this missense variant has a deleterious effect on protein structure/function; Has not been previously published as pathogenic or benign to our knowledge

MGZ Medical Genetics Center
Classification: Uncertain significance for Intellectual developmental disorder, autosomal recessive 67. Last evaluated: 2022-07-04. Review status: criteria provided, single submitter. Criteria: ACMG Guidelines, 2015. Collection method: clinical testing. Allele origin: germline. Affected: yes. Observed: 1 variant allele.
Comment: ACMG criteria applied: PM2_SUP, PM3_SUP, PP3